The following is an entry in ClinVar:

ClinVar aggregate classification (germline): Uncertain significance (1 of 4 stars; one submission).

Allele frequency attached by ClinVar (database versions not stated): gnomAD exomes below 0.00001 and 0.00001; gnomAD 0.00001; ExAC 0.00002; TOPMed 0.00002.
gnomAD v4.1: 3 of 1,614,108 alleles (0.00019%); highest among the groups gnomAD compares: African/African-American, 0.0027%; no homozygotes.

Submission:

Labcorp Genetics (formerly Invitae), Labcorp
Classification: Uncertain significance. Last evaluated: 2019-11-05. Review status: criteria provided, single submitter. Criteria: Invitae Variant Classification Sherloc (09022015). Collection method: clinical testing. Allele origin: germline.
Comment: This sequence change replaces isoleucine with valine at codon 596 of the CDHR1 protein (p.Ile596Val). The isoleucine residue is weakly conserved and there is a small physicochemical difference between isoleucine and valine. This variant is present in population databases (rs758767344, ExAC 0.02%). This variant has not been reported in the literature in individuals with CDHR1-related conditions. Algorithms developed to predict the effect of missense changes on protein structure and function (SIFT, PolyPhen-2, Align-GVGD) all suggest that this variant is likely to be tolerated, but these predictions have not been confirmed by published functional studies and their clinical significance is uncertain. In summary, the available evidence is currently insufficient to determine the role of this variant in disease. Therefore, it has been classified as a Variant of Uncertain Significance.

NM_033100.4(CDHR1):c.1786A>G (p.Ile596Val)

Gene: CDHR1 (cadherin related family member 1; plus strand). Cytogenetic location: 10q23.1.
Variant type: single nucleotide variant.
Coding change: c.1786A>G on transcript NM_033100.4 (MANE Select); coding-DNA position 1786, A replaced by G.
Protein change: p.Ile596Val; replaces isoleucine 596 with valine.
Molecular consequence: missense variant.
Genome position (GRCh38, 1-based): chr10:84,213,094, A>G. VCF-style: chr10-84213094-A-G. GRCh37 (hg19) VCF-style: chr10-85972850-A-G.
Other names: c.1786A>G, p.Ile596Val (NM_001171971.3); short protein forms I596V.
Identifiers: ClinVar variation 971177 (VCV000971177.9), dbSNP rs758767344, ClinGen allele CA5580058.